The following is an entry in ClinVar:

NM_052947.4(ALPK2):c.4766G>T (p.Gly1589Val)

Genes: ALPK2 (alpha kinase 2; minus strand), LOC126862764 (BRD4-independent group 4 enhancer GRCh37_chr18:56202574-56203773; plus strand). Cytogenetic location: 18q21.31.
Variant type: single nucleotide variant.
Coding change: c.4766G>T on transcript NM_052947.4 (MANE Select); coding-DNA position 4766, G replaced by T.
Protein change: p.Gly1589Val; replaces glycine 1589 with valine.
Molecular consequence: missense variant.
Genome position (GRCh38, 1-based): chr18:58,535,421, C>A on the plus strand (G>T on the coding strand, the complement: ALPK2 is on the minus strand). VCF-style: chr18-58535421-C-A. GRCh37 (hg19) VCF-style: chr18-56202653-C-A.
Other names: short protein forms G1589V.
Identifiers: ClinVar variation 2561796 (VCV002561796.2), dbSNP rs764301194, ClinGen allele CA402559917.

ClinVar aggregate classification (germline): Uncertain significance (1 of 4 stars; one submission).

Submission:

Ambry Genetics
Classification: Uncertain significance. Last evaluated: 2023-05-13. Review status: criteria provided, single submitter. Criteria: Ambry Variant Classification Scheme 2023. Collection method: clinical testing. Allele origin: germline.
Comment: The p.G1589V variant (also known as c.4766G>T), located in coding exon 4 of the ALPK2 gene, results from a G to T substitution at nucleotide position 4766. The glycine at codon 1589 is replaced by valine, an amino acid with dissimilar properties. This amino acid position is conserved. In addition, this alteration is predicted to be tolerated by in silico analysis. Since supporting evidence is limited at this time, the clinical significance of this alteration remains unclear.